The following is an entry in ClinVar:

NM_170601.5(SIAE):c.1301del (p.Lys434fs)

Gene: SIAE (sialic acid acetylesterase; minus strand). Cytogenetic location: 11q24.2.
Variant type: Deletion.
Coding change: c.1301del on transcript NM_170601.5 (MANE Select); coding-DNA position 1301, one base deleted (A; older notation c.1301delA).
Protein change: p.Lys434fs; shifts the reading frame from lysine 434.
Molecular consequence: frameshift variant.
Genome position (GRCh38, 1-based): chr11:124,638,561, T deleted on the plus strand (A on the coding strand, the reverse complement: SIAE is on the minus strand); the first of 5 consecutive T bases (chr11:124,638,561-124,638,565); deleting any one gives the same sequence. VCF-style (leftmost placement, unchanged base first): chr11-124638560-CT-C. GRCh37 (hg19) VCF-style: chr11-124508456-CT-C.
Other names: c.1196del, p.Lys399fs (NM_001199922.2); short protein forms K399fs, K434fs.
Identifiers: ClinVar variation 2846412 (VCV002846412.3), dbSNP rs763748717, ClinGen allele CA6341236.

ClinVar aggregate classification (germline): Uncertain significance (1 of 4 stars; one submission).

Submission:

Labcorp Genetics (formerly Invitae), Labcorp
Classification: Uncertain significance. Last evaluated: 2024-05-12. Review status: criteria provided, single submitter. Criteria: Invitae Variant Classification Sherloc (09022015). Collection method: clinical testing. Allele origin: germline.
Comment: This sequence change creates a premature translational stop signal (p.Lys434Argfs*23) in the SIAE gene. While this is not anticipated to result in nonsense mediated decay, it is expected to disrupt the last 90 amino acid(s) of the SIAE protein. This variant is present in population databases (rs763748717, gnomAD 0.0009%). This variant has not been reported in the literature in individuals affected with SIAE-related conditions. Experimental studies and prediction algorithms are not available or were not evaluated, and the functional significance of this variant is currently unknown. In summary, the available evidence is currently insufficient to determine the role of this variant in disease. Therefore, it has been classified as a Variant of Uncertain Significance.